The following is an entry in ClinVar:

ClinVar aggregate classification (germline): Uncertain significance (1 of 4 stars; one submission).

Submission:

Labcorp Genetics (formerly Invitae), Labcorp
Classification: Uncertain significance. Last evaluated: 2025-09-16. Review status: criteria provided, single submitter. Criteria: Invitae Variant Classification Sherloc (09022015). Collection method: clinical testing. Allele origin: germline.
Comment: This sequence change affects a donor splice site in intron 6 of the DHX37 gene. It is expected to disrupt RNA splicing. Variants that disrupt the donor or acceptor splice site typically lead to a loss of protein function (PMID: 16199547), however the current clinical and genetic evidence is not sufficient to establish whether loss-of-function variants in DHX37 cause disease. This variant is not present in population databases (gnomAD no frequency). This variant has not been reported in the literature in individuals affected with DHX37-related conditions. Algorithms developed to predict the effect of sequence changes on RNA splicing suggest that this variant may disrupt the consensus splice site. In summary, the available evidence is currently insufficient to determine the role of this variant in disease. Therefore, it has been classified as a Variant of Uncertain Significance.

Literature cited by the submitters: PubMed 16199547.

NM_032656.4(DHX37):c.980+1G>A

Gene: DHX37 (DEAH-box helicase 37; minus strand). Cytogenetic location: 12q24.31.
Variant type: single nucleotide variant.
Coding change: c.980+1G>A on transcript NM_032656.4 (MANE Select); the canonical splice donor site of the intron after coding-DNA position 980, G replaced by A.
Molecular consequence: splice donor variant.
Genome position (GRCh38, 1-based): chr12:124,975,418, C>T on the plus strand (G>A on the coding strand, the complement: DHX37 is on the minus strand). VCF-style: chr12-124975418-C-T. GRCh37 (hg19) VCF-style: chr12-125459964-C-T.
Identifiers: ClinVar variation 4726966 (VCV004726966.1).